The following is an entry in ClinVar:

ClinVar aggregate classification (germline): Pathogenic. Review status: criteria provided, multiple submitters, no conflicts (2 of 4 stars). 2 submissions from 2 submitters: Pathogenic (2). Last evaluated 2024-10-09.

Conditions:
GPR143-related foveal hypoplasia. Identifiers: MedGen CN375905, MONDO:0700230.

Submissions (2):

Victorian Clinical Genetics Services, Murdoch Childrens Research Institute
Classification: Pathogenic for GPR143-related foveal hypoplasia. Last evaluated: 2024-10-09. Review status: criteria provided, single submitter. Criteria: ACMG Guidelines, 2015. Collection method: clinical testing. Allele origin: germline. Inheritance: X-linked recessive inheritance. Affected: yes.
Comment: Based on the classification scheme VCGS_Germline_v1.3.4, this variant is classified as Pathogenic. Following criteria are met: 0102 - Loss of function is a known mechanism of disease in this gene and is associated with congenital nystagmus 6 (MIM#300814) and ocular albinism, type I, Nettleship-Falls type (MIM#300500). (I) 0109 - This gene is associated with X-linked recessive disease. (I) 0201 - Variant is predicted to cause nonsense-mediated decay (NMD) and loss of protein (premature termination codon is located at least 54 nucleotides upstream of the final exon-exon junction). (SP) 0253 - This variant is hemizygous. (I) 0301 - Variant is absent from gnomAD (both v2 and v3). (SP) 0701 - Other NMD-predicted variants comparable to the one identified in this case have very strong previous evidence for pathogenicity (ClinVar). (SP) 0802 - This variant has moderate previous evidence of pathogenicity in unrelated individuals. This variant is in ClinVar and classified twice as pathogenic. In addition, the c.939G>A variant which also results in p.(Trp313X) has been reported in a family with foveal hypoplasia (PMID: 33785018). (SP) 1007 - No published functional evidence has been identified for this variant. (I) Legend: (SP) - Supporting pathogenic, (I) - Information, (SB) - Supporting benign

Labcorp Genetics (formerly Invitae), Labcorp
Classification: Pathogenic. Last evaluated: 2024-07-31. Review status: criteria provided, single submitter. Criteria: Invitae Variant Classification Sherloc (09022015). Collection method: clinical testing. Allele origin: germline.
Comment: This sequence change creates a premature translational stop signal (p.Trp313*) in the GPR143 gene. It is expected to result in an absent or disrupted protein product. Loss-of-function variants in GPR143 are known to be pathogenic (PMID: 15965158, 18978956, 19390656, 21541274, 26160353, 28211458). This variant is not present in population databases (gnomAD no frequency). This premature translational stop signal has been observed in individual(s) with oculocutaneous albinism (PMID: 29345414). ClinVar contains an entry for this variant (Variation ID: 2152334). For these reasons, this variant has been classified as Pathogenic.

Literature cited by the submitters: PubMed 29345414 (cited by Victorian Clinical Genetics Services, Murdoch Childrens Research Institute and Labcorp Genetics (formerly Invitae), Labcorp); PubMed 33785018 (cited by Victorian Clinical Genetics Services, Murdoch Childrens Research Institute); PubMed 15965158 (cited by Labcorp Genetics (formerly Invitae), Labcorp); PubMed 18978956 (cited by Labcorp Genetics (formerly Invitae), Labcorp); PubMed 19390656 (cited by Labcorp Genetics (formerly Invitae), Labcorp); PubMed 21541274 (cited by Labcorp Genetics (formerly Invitae), Labcorp); PubMed 26160353 (cited by Labcorp Genetics (formerly Invitae), Labcorp); PubMed 28211458 (cited by Labcorp Genetics (formerly Invitae), Labcorp).

NM_000273.3(GPR143):c.938G>A (p.Trp313Ter)

Gene: GPR143 (G protein-coupled receptor 143; minus strand). Cytogenetic location: Xp22.2.
Variant type: single nucleotide variant.
Coding change: c.938G>A on transcript NM_000273.3 (MANE Select); coding-DNA position 938, G replaced by A.
Protein change: p.Trp313Ter; replaces tryptophan 313 with a stop codon.
Molecular consequence: nonsense.
Genome position (GRCh38, 1-based): chrX:9,739,667, C>T on the plus strand (G>A on the coding strand, the complement: GPR143 is on the minus strand). VCF-style: chrX-9739667-C-T. GRCh37 (hg19) VCF-style: chrX-9707707-C-T.
Other names: c.938G>A (NM_000273.2); short protein forms W313*.
Identifiers: ClinVar variation 2152334 (VCV002152334.5), dbSNP rs2518622665, ClinGen allele CA411995420.